The following is an entry in ClinVar:

ClinVar aggregate classification (germline): Conflicting classifications of pathogenicity. Review status: criteria provided, conflicting classifications (1 of 4 stars). 13 submissions from 13 submitters: Uncertain significance (6); Benign (1); Likely benign (4). 2 of the submissions do not count toward it. Last evaluated 2026-01-21.

Conditions:
Inborn genetic diseases. Identifiers: MedGen C0950123, MeSH D030342.
Pitt-Hopkins-like syndrome 2 (PTHSL2). Identifiers: Orphanet 221150, Orphanet 600663, MedGen C3280479, MONDO:0013690, OMIM 614325.
NRXN1-related disorder.

Allele frequency attached by ClinVar (database versions not stated): ESP Exome Variant Server 0.00046; ExAC 0.00065; 1000 Genomes Project 30x 0.00016; gnomAD exomes 0.00065 and 0.00049; gnomAD 0.00062; 1000 Genomes Project 0.00020; TOPMed 0.00040.
gnomAD v4.1: 1,055 of 1,613,932 alleles (0.065%); highest among the groups gnomAD compares: Non-Finnish European, 0.083%; no homozygotes.

Submissions (13):

PreventionGenetics, part of Exact Sciences
Classification: Uncertain significance for NRXN1-related condition. Last evaluated: 2026-01-21. Review status: criteria provided, single submitter. Criteria: ACMG Guidelines, 2015. Collection method: clinical testing. Allele origin: germline.
Comment: The NRXN1 c.2065A>G variant is predicted to result in the amino acid substitution p.Ile689Val. To our knowledge, this variant has not been reported in the literature. This variant is reported in 0.12% of alleles in individuals of European (Non-Finnish) descent in gnomAD, which is likely too common to be an unreported cause of disease. However, despite its frequency no homozygotes have been reported in gnomAD v2 or v4. Although we suspect that this variant may be benign, at this time, the clinical significance of this variant is uncertain due to the absence of conclusive functional and genetic evidence.

Labcorp Genetics (formerly Invitae), Labcorp
Classification: Benign for Pitt-Hopkins-like syndrome 2. Last evaluated: 2026-01-05. Review status: criteria provided, single submitter. Criteria: Invitae Variant Classification Sherloc (09022015). Collection method: clinical testing. Allele origin: germline.

Laboratory of Genetics, Children's Clinical University Hospital Latvia
Classification: Likely benign. Last evaluated: 2025-02-16. Review status: criteria provided, single submitter. Criteria: ACMG Guidelines, 2015. Collection method: clinical testing. Allele origin: germline. Affected: yes.

Blueprint Genetics
Classification: Likely benign. Last evaluated: 2024-11-18. Review status: criteria provided, single submitter. Criteria: ACMG Guidelines, 2015. Collection method: clinical testing. Allele origin: germline.

CeGaT Center for Human Genetics Tuebingen
Classification: Uncertain significance. Last evaluated: 2024-10-01. Review status: criteria provided, single submitter. Criteria: CeGaT Center For Human Genetics Tuebingen Variant Classification Criteria Version 2. Collection method: clinical testing. Allele origin: germline. Affected: yes. Observed: 2 variant alleles.

Ambry Genetics
Classification: Likely benign for Inborn genetic diseases. Last evaluated: 2021-09-22. Review status: criteria provided, single submitter. Criteria: Ambry Variant Classification Scheme 2023. Collection method: clinical testing. Allele origin: germline.

GeneDx
Classification: Likely benign. Last evaluated: 2021-02-16. Review status: criteria provided, single submitter. Criteria: GeneDx Variant Classification Process June 2021. Collection method: clinical testing. Allele origin: germline. Affected: yes.

Baylor Genetics
Classification: Uncertain significance for Pitt-Hopkins-like syndrome 2. Last evaluated: 2018-04-08. Review status: criteria provided, single submitter. Criteria: ACMG Guidelines, 2015. Collection method: clinical testing. Allele origin: unknown. Affected: yes.
Comment: This variant was determined to be of uncertain significance according to ACMG Guidelines, 2015 [PMID:25741868].

Illumina Laboratory Services, Illumina
Classification: Uncertain significance for Pitt-Hopkins-like syndrome 2. Last evaluated: 2018-01-13. Review status: criteria provided, single submitter. Criteria: ICSL Variant Classification Criteria 13 December 2019. Collection method: clinical testing. Allele origin: germline.

Eurofins Ntd Llc (ga)
Classification: Uncertain significance. Last evaluated: 2015-09-01. Review status: criteria provided, single submitter. Criteria: EGL Classification Definitions 2015. Collection method: clinical testing. Allele origin: germline. Observed: 3 variant alleles, 3 heterozygotes.

Genetic Services Laboratory, University of Chicago
Classification: Uncertain significance. Last evaluated: 2014-12-16. Review status: criteria provided, single submitter. Criteria: ACMG Guidelines, 2015. Collection method: clinical testing. Allele origin: germline.

Clinical Genetics DNA and cytogenetics Diagnostics Lab, Erasmus MC, Erasmus Medical Center
Classification: Likely benign. Review status: no assertion criteria provided. Collection method: clinical testing. Allele origin: germline. Affected: yes. Study: VKGL Data-share Consensus. Not counted in ClinVar's aggregate classification.

Laboratory of Diagnostic Genome Analysis, Leiden University Medical Center (LUMC)
Classification: Likely benign. Review status: no assertion criteria provided. Collection method: clinical testing. Allele origin: germline. Affected: yes. Study: VKGL Data-share Consensus. Not counted in ClinVar's aggregate classification.

NM_001330078.2(NRXN1):c.1945A>G (p.Ile649Val)

Gene: NRXN1 (neurexin 1; minus strand). Cytogenetic location: 2p16.3.
Variant type: single nucleotide variant.
Coding change: c.1945A>G on transcript NM_001330078.2 (MANE Select); coding-DNA position 1945, A replaced by G.
Protein change: p.Ile649Val; replaces isoleucine 649 with valine.
Molecular consequence: missense variant.
Genome position (GRCh38, 1-based): chr2:50,538,451, T>C on the plus strand (A>G on the coding strand, the complement: NRXN1 is on the minus strand). VCF-style: chr2-50538451-T-C. GRCh37 (hg19) VCF-style: chr2-50765589-T-C.
Other names: p.I689V:ATC>GTC; c.2065A>G, p.Ile689Val (NM_001135659.3); c.1921A>G, p.Ile641Val (NM_001330077.2, NM_001330082.2, NM_001330095.2); c.1906A>G, p.Ile636Val (NM_001330083.2, NM_001330084.2); c.1945A>G, p.Ile649Val (NM_001330085.2, NM_001330086.2, NM_004801.6); c.1861A>G, p.Ile621Val (NM_001330087.2, NM_001330096.2); c.1891A>G, p.Ile631Val (NM_001330088.2); c.1942A>G, p.Ile648Val (NM_001330093.2); and 2 more; short protein forms I689V, I645V, I648V, I649V, I641V, I621V, I631V, I636V.
Identifiers: ClinVar variation 167387 (VCV000167387.72), dbSNP rs200074974, ClinGen allele CA234422.